The following is an entry in ClinVar:

ClinVar aggregate classification (germline): Uncertain significance (1 of 4 stars; one submission).

Conditions:
Greig cephalopolysyndactyly syndrome (GCPS). Also called: GLI3-Related Greig Cephalopolysyndactyly Syndrome; POLYSYNDACTYLY WITH PECULIAR SKULL SHAPE; Greig syndrome. Identifiers: Orphanet 380, MedGen C0265306, MONDO:0008287, OMIM 175700.

Submission:

Victorian Clinical Genetics Services, Murdoch Childrens Research Institute
Classification: Uncertain significance for Greig cephalopolysyndactyly syndrome. Last evaluated: 2024-10-25. Review status: criteria provided, single submitter. Criteria: ACMG Guidelines, 2015. Collection method: clinical testing. Allele origin: germline. Affected: yes.
Comment: This variant is classified as VUS-3B. Evidence in support of pathogenic classification: Variant is absent from gnomAD (v2, v3 and v4); This variant has limited previous evidence of pathogenicity in an unrelated individual(s). It has been reported once in an individual with isolated congenital heart disease (PMID: 35445092); Very strong and specific phenotype match for this individual. Evidence in support of benign classification: Missense variant consistently predicted to be tolerated by in silico tool or not conserved in placental mammals with a minor amino acid change. Additional information: Variant is predicted to result in a missense amino acid change from valine to leucine; This variant is heterozygous; This gene is associated with autosomal dominant disease; An alternative amino acid change at the same position has been observed in gnomAD (v4: 2 heterozygote(s), 0 homozygotes); No published segregation evidence has been identified for this variant; No published functional evidence has been identified for this variant; No comparable missense variants have previous evidence for pathogenicity; Variant is not located in an established domain, motif, hotspot or informative constraint region; Loss of function is a known mechanism of disease in this gene and is associated with Greig cephalopolysyndactyly syndrome (GCPS, MIM#175700), Pallister-Hall syndrome (MIM#146510), postaxial polydactyly type A1 and B (MIM#174200), and preaxial polydactyly type IV (MIM#174700); Variants in this gene are known to have variable expressivity. Intrafamilial variability has been reported (PMID: 18000979).

Literature cited by the submitters: PubMed 35445092; PubMed 18000979.

NM_000168.6(GLI3):c.3289G>T (p.Val1097Leu)

Gene: GLI3 (GLI family zinc finger 3; minus strand). Cytogenetic location: 7p14.1.
Variant type: single nucleotide variant.
Coding change: c.3289G>T on transcript NM_000168.6 (MANE Select); coding-DNA position 3289, G replaced by T.
Protein change: p.Val1097Leu; replaces valine 1097 with leucine.
Molecular consequence: missense variant.
Genome position (GRCh38, 1-based): chr7:41,965,784, C>A on the plus strand (G>T on the coding strand, the complement: GLI3 is on the minus strand). VCF-style: chr7-41965784-C-A. GRCh37 (hg19) VCF-style: chr7-42005382-C-A.
Other names: short protein forms V1097L.
Identifiers: ClinVar variation 4532071 (VCV004532071.1).
Genomic context (GRCh38, chr7:41,965,784, plus strand): 5'-GGAGGGCGCTGGGGAAGTGCTGCTCGTACCCTGCTTGGTTCTGGGAATTTAAATACTGCA[C>A]CACGTCGTCCGGCAGGAAATCCTCATCGTTCAGGTTGGCATCAGCGTCCATGGTCAGGGA-3'
Protein context (NP_000159.3, residues 1087-1107): NDEDFLPDDV[Val1097Leu]QYLNSQNQAG